The following is an entry in ClinVar:

NM_020247.5(COQ8A):c.1826T>C (p.Leu609Pro)

Gene: COQ8A (coenzyme Q8A; plus strand). Cytogenetic location: 1q42.13.
Variant type: single nucleotide variant.
Coding change: c.1826T>C on transcript NM_020247.5 (MANE Select); coding-DNA position 1826, T replaced by C.
Protein change: p.Leu609Pro; replaces leucine 609 with proline.
Molecular consequence: missense variant.
Genome position (GRCh38, 1-based): chr1:226,986,619, T>C. VCF-style: chr1-226986619-T-C. GRCh37 (hg19) VCF-style: chr1-227174320-T-C.
Other names: c.1826T>C (NM_020247.4); short protein forms L609P.
Identifiers: ClinVar variation 3711252 (VCV003711252.3).

ClinVar aggregate classification (germline): Uncertain significance. Review status: criteria provided, multiple submitters, no conflicts (2 of 4 stars). 2 submissions from 2 submitters: Uncertain significance (2). Last evaluated 2025-08-05.

gnomAD v4.1: 9 of 1,613,658 alleles (0.00056%); highest among the groups gnomAD compares: Non-Finnish European, 0.00076%; no homozygotes.

Submissions (2):

Athena Diagnostics
Classification: Uncertain significance. Last evaluated: 2025-08-05. Review status: criteria provided, single submitter. Criteria: Athena Diagnostics Criteria. Collection method: clinical testing. Allele origin: unknown.
Comment: Available data are insufficient to determine the clinical significance of the variant at this time. This variant has not been reported in large, multi-ethnic general populations. Polyphen and MutationTaster predict this amino acid change may be damaging to the protein.

Labcorp Genetics (formerly Invitae), Labcorp
Classification: Uncertain significance. Last evaluated: 2024-04-29. Review status: criteria provided, single submitter. Criteria: Invitae Variant Classification Sherloc (09022015). Collection method: clinical testing. Allele origin: germline.
Comment: This sequence change replaces leucine, which is neutral and non-polar, with proline, which is neutral and non-polar, at codon 609 of the COQ8A protein (p.Leu609Pro). This variant is not present in population databases (gnomAD no frequency). This variant has not been reported in the literature in individuals affected with COQ8A-related conditions. Advanced modeling of protein sequence and biophysical properties (such as structural, functional, and spatial information, amino acid conservation, physicochemical variation, residue mobility, and thermodynamic stability) performed at Invitae indicates that this missense variant is expected to disrupt COQ8A protein function with a positive predictive value of 95%. In summary, the available evidence is currently insufficient to determine the role of this variant in disease. Therefore, it has been classified as a Variant of Uncertain Significance.